The following is an entry in ClinVar:

ClinVar aggregate classification (germline): Uncertain significance. Review status: criteria provided, multiple submitters, no conflicts (2 of 4 stars). 7 submissions from 7 submitters: Uncertain significance (7). Last evaluated 2025-10-09.

Conditions:
Hereditary nonpolyposis colorectal neoplasms. Identifiers: MedGen C0009405, MeSH D003123.
Breast and/or ovarian cancer. Identifiers: MedGen CN221562.
Hereditary cancer-predisposing syndrome. Also called: Neoplastic Syndromes, Hereditary; Tumor predisposition; Hereditary Cancer Syndrome; Hereditary neoplastic syndrome. Identifiers: Orphanet 140162, MedGen C0027672, MeSH D009386, MONDO:0015356.
Mismatch repair cancer syndrome 1 (MMRCS1). Also called: BRAIN TUMOR-POLYPOSIS SYNDROME 1; BTP1 SYNDROME; CHILDHOOD CANCER SYNDROME; MISMATCH REPAIR DEFICIENCY; MMR DEFICIENCY. Identifiers: Orphanet 252202, MedGen C5399763, MONDO:0010159, OMIM 276300. Disease mechanism: loss of function.
Lynch syndrome. Identifiers: Orphanet 144, MedGen C4552100, MONDO:0005835. Disease mechanism: loss of function.

Allele frequency attached by ClinVar (database versions not stated): gnomAD exomes 0.00001.
gnomAD v4.1: 7 of 1,608,924 alleles (0.00044%); highest among the groups gnomAD compares: Non-Finnish European, 0.0006%; no homozygotes.

Submissions (7):

Labcorp Genetics (formerly Invitae), Labcorp
Classification: Uncertain significance for Hereditary nonpolyposis colorectal neoplasms. Last evaluated: 2025-10-09. Review status: criteria provided, single submitter. Criteria: Invitae Variant Classification Sherloc (09022015). Collection method: clinical testing. Allele origin: germline.
Comment: This sequence change replaces proline, which is neutral and non-polar, with alanine, which is neutral and non-polar, at codon 338 of the PMS2 protein (p.Pro338Ala). This variant is not present in population databases (gnomAD no frequency). This missense change has been observed in individual(s) with colorectal cancer (PMID: 28135145). ClinVar contains an entry for this variant (Variation ID: 233592). Invitae Evidence Modeling incorporating data from in vitro experimental studies (internal data) indicates that this missense variant is not expected to disrupt PMS2 function with a negative predictive value of 95%. In summary, the available evidence is currently insufficient to determine the role of this variant in disease. Therefore, it has been classified as a Variant of Uncertain Significance.

Ambry Genetics
Classification: Uncertain significance for Hereditary cancer-predisposing syndrome. Last evaluated: 2024-05-29. Review status: criteria provided, single submitter. Criteria: Ambry Variant Classification Scheme 2023. Collection method: clinical testing. Allele origin: germline.
Comment: The p.P338A variant (also known as c.1012C>G), located in coding exon 10 of the PMS2 gene, results from a C to G substitution at nucleotide position 1012. The proline at codon 338 is replaced by alanine, an amino acid with highly similar properties. This variant has been reported in an individual affected with colorectal cancer (Yurgelun MB et al. J Clin Oncol, 2017 Apr;35:1086-1095). This amino acid position is highly conserved in available vertebrate species. In addition, this alteration is predicted to be deleterious by in silico analysis. Since supporting evidence is limited at this time, the clinical significance of this alteration remains unclear.

All of Us Research Program, National Institutes of Health
Classification: Uncertain significance for Lynch syndrome. Last evaluated: 2023-05-31. Review status: criteria provided, single submitter. Criteria: ACMG Guidelines, 2015. Collection method: clinical testing. Allele origin: germline. Inheritance: Autosomal dominant inheritance. Observed: 1 variant allele, 1 heterozygote.
Comment: This missense variant replaces proline with alanine at codon 338 of the PMS2 protein. Computational prediction suggests that this variant may have deleterious impact on protein structure and function (internally defined REVEL score threshold >= 0.7, PMID: 27666373). Splice site prediction tools suggest that this variant may not impact RNA splicing. To our knowledge, functional studies have not been performed for this variant. This variant has not been reported in individuals affected with hereditary cancer in the literature. This variant has not been identified in the general population by the Genome Aggregation Database (gnomAD). The available evidence is insufficient to determine the role of this variant in disease conclusively. Therefore, this variant is classified as a Variant of Uncertain Significance.

This study involves interpretation of variants in research participants for the purpose of population health screening. Participant phenotype was not available at the time of variant classification. Additional details can be found in publication PMID: 35346344, PMCID: PMC8962531

GeneDx
Classification: Uncertain significance. Last evaluated: 2022-11-14. Review status: criteria provided, single submitter. Criteria: GeneDx Variant Classification Process June 2021. Collection method: clinical testing. Allele origin: germline. Affected: yes.
Comment: Not observed in large population cohorts (gnomAD); In silico analysis supports that this missense variant has a deleterious effect on protein structure/function; Observed in individuals with colorectal cancer (Yurgelun et al., 2017); This variant is associated with the following publications: (PMID: 22949387, 11574484, 28135145)

CHEO Genetics Diagnostic Laboratory, Children's Hospital of Eastern Ontario
Classification: Uncertain significance for Breast and/or ovarian cancer. Last evaluated: 2021-04-23. Review status: criteria provided, single submitter. Criteria: ACMG Guidelines, 2015. Collection method: clinical testing. Allele origin: germline.

Color Diagnostics, LLC DBA Color Health
Classification: Uncertain significance for Hereditary cancer-predisposing syndrome. Last evaluated: 2020-01-06. Review status: criteria provided, single submitter. Criteria: ACMG Guidelines, 2015. Collection method: clinical testing. Allele origin: germline.
Comment: This missense variant replaces proline with alanine at codon 338 of the PMS2 protein. Computational prediction suggests that this variant may have deleterious impact on protein structure and function (internally defined REVEL score threshold >= 0.7, PMID: 27666373). Splice site prediction tools suggest that this variant may not impact RNA splicing. To our knowledge, functional studies have not been performed for this variant. This variant has not been reported in individuals affected with hereditary cancer in the literature. This variant has not been identified in the general population by the Genome Aggregation Database (gnomAD). The available evidence is insufficient to determine the role of this variant in disease conclusively. Therefore, this variant is classified as a Variant of Uncertain Significance.

Quest Diagnostics Nichols Institute San Juan Capistrano
Classification: Uncertain significance. Last evaluated: 2019-12-26. Review status: criteria provided, single submitter. Criteria: Quest Diagnostics criteria. Collection method: clinical testing. Allele origin: unknown.

Literature cited by the submitters: PubMed 28135145 (cited by 3 submitters).

NM_000535.7(PMS2):c.1012C>G (p.Pro338Ala)

Gene: PMS2 (PMS1 homolog 2, mismatch repair system component; minus strand). Cytogenetic location: 7p22.1.
Variant type: single nucleotide variant.
Coding change: c.1012C>G on transcript NM_000535.7 (MANE Select); coding-DNA position 1012, C replaced by G.
Protein change: p.Pro338Ala; replaces proline 338 with alanine.
Molecular consequence: missense variant. On other transcripts: non-coding transcript variant (1), intron variant (2).
Genome position (GRCh38, 1-based): chr7:5,989,932, G>C on the plus strand (C>G on the coding strand, the complement: PMS2 is on the minus strand). VCF-style: chr7-5989932-G-C. GRCh37 (hg19) VCF-style: chr7-6029563-G-C.
Other names: c.607C>G, p.Pro203Ala (NM_001322003.2, NM_001322004.2, NM_001322005.2 and 1 more transcripts); c.694C>G, p.Pro232Ala (NM_001322007.2, NM_001322008.2); c.79C>G, p.Pro27Ala (NM_001322011.2, NM_001322012.2); c.439C>G, p.Pro147Ala (NM_001322013.2); c.1012C>G, p.Pro338Ala (NM_001322014.2); c.703C>G, p.Pro235Ala (NM_001322015.2); c.583+2041C>G (NM_001322010.2); c.988+2041C>G (NM_001322006.2); short protein forms P338A, P232A, P147A, P27A, P203A, P235A.
Identifiers: ClinVar variation 233592 (VCV000233592.28), dbSNP rs876660508, ClinGen allele CA10578688.